The following is an entry in ClinVar:

ClinVar aggregate classification (germline): Uncertain significance. Review status: criteria provided, multiple submitters, no conflicts (2 of 4 stars). 2 submissions from 2 submitters: Uncertain significance (2). Last evaluated 2024-09-18.

Conditions:
Renal cell carcinoma. Identifiers: Orphanet 217071, MedGen C0007134, MeSH D002292, MONDO:0005086, HP:0005584.
Hereditary cancer-predisposing syndrome. Also called: Hereditary Cancer Syndrome; Tumor predisposition; Hereditary neoplastic syndrome; Neoplastic Syndromes, Hereditary. Identifiers: Orphanet 140162, MedGen C0027672, MeSH D009386, MONDO:0015356.

Submissions (2):

Labcorp Genetics (formerly Invitae), Labcorp
Classification: Uncertain significance for Renal cell carcinoma. Last evaluated: 2024-09-18. Review status: criteria provided, single submitter. Criteria: Invitae Variant Classification Sherloc (09022015). Collection method: clinical testing. Allele origin: germline.
Comment: This sequence change replaces glutamic acid, which is acidic and polar, with valine, which is neutral and non-polar, at codon 1017 of the MET protein (p.Glu1017Val). This variant is not present in population databases (gnomAD no frequency). This variant has not been reported in the literature in individuals affected with MET-related conditions. ClinVar contains an entry for this variant (Variation ID: 645340). Invitae Evidence Modeling of protein sequence and biophysical properties (such as structural, functional, and spatial information, amino acid conservation, physicochemical variation, residue mobility, and thermodynamic stability) has been performed for this missense variant. However, the output from this modeling did not meet the statistical confidence thresholds required to predict the impact of this variant on MET protein function. In summary, the available evidence is currently insufficient to determine the role of this variant in disease. Therefore, it has been classified as a Variant of Uncertain Significance.

Ambry Genetics
Classification: Uncertain significance for Hereditary cancer-predisposing syndrome. Last evaluated: 2024-08-17. Review status: criteria provided, single submitter. Criteria: Ambry Variant Classification Scheme 2023. Collection method: clinical testing. Allele origin: germline.
Comment: The p.E1017V variant (also known as c.3050A>T), located in coding exon 13 of the MET gene, results from an A to T substitution at nucleotide position 3050. The glutamic acid at codon 1017 is replaced by valine, an amino acid with dissimilar properties. This amino acid position is conserved. In addition, the in silico prediction for this alteration is inconclusive. Based on the available evidence, the clinical significance of this variant remains unclear.

NM_000245.4(MET):c.2996A>T (p.Glu999Val)

Gene: MET (MET proto-oncogene, receptor tyrosine kinase; plus strand). Cytogenetic location: 7q31.2.
Variant type: single nucleotide variant.
Coding change: c.2996A>T on transcript NM_000245.4 (MANE Select); coding-DNA position 2996, A replaced by T.
Protein change: p.Glu999Val; replaces glutamic acid 999 with valine.
Molecular consequence: missense variant.
Genome position (GRCh38, 1-based): chr7:116,771,957, A>T. VCF-style: chr7-116771957-A-T. GRCh37 (hg19) VCF-style: chr7-116412011-A-T.
Other names: c.3050A>T (LRG_662t1); c.3050A>T, p.Glu1017Val (NM_001127500.3); c.1706A>T, p.Glu569Val (NM_001324402.2); short protein forms E999V, E1017V, E569V.
Identifiers: ClinVar variation 645340 (VCV000645340.11), dbSNP rs912927724, ClinGen allele CA164905100.
Genomic context (GRCh38, chr7:116,771,957, plus strand): 5'-ATTTGGATAGGCTTGTAAGTGCCCGAAGTGTAAGCCCAACTACAGAAATGGTTTCAAATG[A>T]ATCTGTAGACTACCGAGCTACTTTTCCAGAAGGTATATTTCAGTTTATTGTTCTGAGAAA-3'
Protein context (NP_000236.2, residues 989-1009): VSPTTEMVSN[Glu999Val]SVDYRATFPE